The following is an entry in ClinVar:

ClinVar aggregate classification (germline): Uncertain significance (1 of 4 stars; one submission).

Submission:

Greenwood Genetic Center Diagnostic Laboratories, Greenwood Genetic Center
Classification: Uncertain significance. Last evaluated: 2021-10-21. Review status: criteria provided, single submitter. Criteria: ACMG Guidelines, 2015. Collection method: clinical testing. Allele origin: germline. Affected: yes.
Comment: PM2

NM_001287491.2(TET3):c.4414C>T (p.Leu1472Phe)

Gene: TET3 (tet methylcytosine dioxygenase 3; plus strand). Cytogenetic location: 2p13.1.
Variant type: single nucleotide variant.
Coding change: c.4414C>T on transcript NM_001287491.2 (MANE Select); coding-DNA position 4414, C replaced by T.
Protein change: p.Leu1472Phe; replaces leucine 1472 with phenylalanine.
Molecular consequence: missense variant.
Genome position (GRCh38, 1-based): chr2:74,101,202, C>T. VCF-style: chr2-74101202-C-T. GRCh37 (hg19) VCF-style: chr2-74328329-C-T.
Other names: c.4135C>T, p.Leu1379Phe (NM_001366022.1); short protein forms L1379F, L1472F.
Identifiers: ClinVar variation 1334632 (VCV001334632.4), dbSNP rs1691188315, ClinGen allele CA347319761.